The following is an entry in ClinVar:

NM_001206999.2(CIT):c.1876A>G (p.Lys626Glu)

Gene: CIT (citron rho-interacting serine/threonine kinase; minus strand). Cytogenetic location: 12q24.23.
Variant type: single nucleotide variant.
Coding change: c.1876A>G on transcript NM_001206999.2 (MANE Select); coding-DNA position 1876, A replaced by G.
Protein change: p.Lys626Glu; replaces lysine 626 with glutamic acid.
Molecular consequence: missense variant.
Genome position (GRCh38, 1-based): chr12:119,776,369, T>C on the plus strand (A>G on the coding strand, the complement: CIT is on the minus strand). VCF-style: chr12-119776369-T-C. GRCh37 (hg19) VCF-style: chr12-120214173-T-C.
Other names: c.1876A>G, p.Lys626Glu (NM_007174.3); short protein forms K626E.
Identifiers: ClinVar variation 708409 (VCV000708409.37), dbSNP rs138430777, ClinGen allele CA6821947.

ClinVar aggregate classification (germline): Benign/Likely benign. Review status: criteria provided, multiple submitters, no conflicts (2 of 4 stars). 4 submissions from 4 submitters: Benign (2); Likely benign (1). 1 of the submissions does not count toward it. Last evaluated 2025-10-09.

Conditions:
CIT-related disorder. Also called: CIT-related condition.

Allele frequency attached by ClinVar (database versions not stated): gnomAD exomes 0.00021 and 0.00107; gnomAD 0.00042 and 0.00048; TOPMed 0.00043; ExAC 0.00092; 1000 Genomes Project 30x 0.00172; 1000 Genomes Project 0.00200.
gnomAD v4.1: 446 of 1,613,520 alleles (0.028%); highest among the groups gnomAD compares: East Asian, 0.78%; 3 homozygotes.

Submissions (4):

Labcorp Genetics (formerly Invitae), Labcorp
Classification: Benign. Last evaluated: 2025-10-09. Review status: criteria provided, single submitter. Criteria: Invitae Variant Classification Sherloc (09022015). Collection method: clinical testing. Allele origin: germline.

CeGaT Center for Human Genetics Tuebingen
Classification: Benign. Last evaluated: 2022-10-01. Review status: criteria provided, single submitter. Criteria: CeGaT Center For Human Genetics Tuebingen Variant Classification Criteria Version 2. Collection method: clinical testing. Allele origin: germline. Affected: yes. Observed: 1 variant allele.
Comment: CIT: PP2, BS1, BS2

GeneDx
Classification: Likely benign. Last evaluated: 2022-04-07. Review status: criteria provided, single submitter. Criteria: GeneDx Variant Classification Process June 2021. Collection method: clinical testing. Allele origin: germline. Affected: yes.

PreventionGenetics, part of Exact Sciences
Classification: Benign for CIT-related condition. Last evaluated: 2019-02-22. Review status: no assertion criteria provided. Collection method: clinical testing. Allele origin: germline. Not counted in ClinVar's aggregate classification.
Comment: This variant is classified as benign based on ACMG/AMP sequence variant interpretation guidelines (Richards et al. 2015 PMID: 25741868, with internal and published modifications).